The following is an entry in ClinVar:

ClinVar aggregate classification (germline): Likely benign (0 of 4 stars; one submission).

Conditions:
CTNND1-related disorder. Also called: CTNND1-related condition.

Submission:

PreventionGenetics, part of Exact Sciences
Classification: Likely benign for CTNND1-related condition. Last evaluated: 2024-07-24. Review status: no assertion criteria provided. Collection method: clinical testing. Allele origin: germline.
Comment: This variant is classified as likely benign based on ACMG/AMP sequence variant interpretation guidelines (Richards et al. 2015 PMID: 25741868, with internal and published modifications).

NM_001085458.2(CTNND1):c.2702-8_2702-7del

Genes: CTNND1 (catenin delta 1; plus strand), TMX2-CTNND1 (TMX2-CTNND1 readthrough (NMD candidate); plus strand). Cytogenetic location: 11q12.1.
Variant type: Deletion.
Coding change: c.2702-8_2702-7del on transcript NM_001085458.2 (MANE Select); 8 bases into the intron before coding-DNA position 2702 through 7 bases into the intron before coding-DNA position 2702, 2 bases deleted (TT; older notation c.2702-8_2702-7delTT).
Molecular consequence: intron variant.
Genome position (GRCh38, 1-based): chr11:57,815,386-57,815,387, TT deleted; deleting any 2 consecutive bases within chr11:57,815,376-57,815,387 gives the same sequence; the c. name uses the placement nearest the transcript's 3' end. VCF-style (leftmost placement, unchanged base first): chr11-57815375-CTT-C. GRCh37 (hg19) VCF-style: chr11-57582847-CTT-C.
Other names: c.2702-8_2702-7del (NM_001206885.2); c.2684-8_2684-7del (NM_001085459.2, NM_001085461.2, NM_001085460.2 and 1 more transcripts); c.2621-8_2621-7del (NM_001331.3); c.2522-8_2522-7del (NM_001206891.2, NM_001206889.2, NM_001206886.2 and 1 more transcripts); c.2381-8_2381-7del (NM_001085467.2, NM_001206890.2, NM_001085464.2 and 2 more transcripts); c.2540-8_2540-7del (NM_001206883.2, NM_001206884.2); c.2459-8_2459-7del (NM_001206887.2); c.2399-8_2399-7del (NM_001085463.2, NM_001085466.2); and 1 more.
Identifiers: ClinVar variation 3352689 (VCV003352689.1).
Genomic context (GRCh38, chr11:57,815,375, plus strand): 5'-ATTACACCTATCTGTTTGATATACGTTTTACACTAGAGGGGAATGTCATATTTCTGTGTA[CTT>C]TTTTTTTTTTAACCAGATAACAACTATTCCACACCAAATGAGAGAGGAGACCACAATAGA-3'